The following is an entry in ClinVar:

NM_000400.4(ERCC2):c.105+1G>A

Gene: ERCC2 (ERCC excision repair 2, TFIIH core complex helicase subunit; minus strand). Cytogenetic location: 19q13.32.
Variant type: single nucleotide variant.
Coding change: c.105+1G>A on transcript NM_000400.4 (MANE Select); the canonical splice donor site of the intron after coding-DNA position 105, G replaced by A.
Molecular consequence: splice donor variant. On other transcripts: intron variant (1).
Genome position (GRCh38, 1-based): chr19:45,370,132, C>T on the plus strand (G>A on the coding strand, the complement: ERCC2 is on the minus strand). VCF-style: chr19-45370132-C-T. GRCh37 (hg19) VCF-style: chr19-45873390-C-T.
Other names: c.-19+404G>A (NM_001440357.1); c.105+1G>A (NM_001440356.1); c.33+1G>A (NM_001440355.1, NM_001130867.2).
Identifiers: ClinVar variation 4820291 (VCV004820291.1).
Genomic context (GRCh38, chr19:45,370,132, plus strand): 5'-TAGGCCCAGGCGTGGCAGCCCCACCGGTCGAGTGGGCGGGTCGGGCCCACCGGCCACCCA[C>T]CTTGGCGTCCAGCGTGCGTTTGAGCTCCCGCATGTAGGAGAACTGCTCGGGGTAGATGTA-3'

ClinVar aggregate classification (germline): Pathogenic (1 of 4 stars; one submission).

Conditions:
Fetal anomalies with a likely genetic cause.

Submission:

Genetics Laboratory, Great Ormond Street Hospital NHS Foundation Trust, North Thames Genomic Laboratory Hub
Classification: Pathogenic for Fetal anomalies with a likely genetic cause. Last evaluated: 2026-02-18. Review status: criteria provided, single submitter. Criteria: ACGS Best Practice Guidelines for Variant Classification in Rare Disease 2024 v1.2. Collection method: clinical testing. Allele origin: germline. Affected: yes.
Comment: PM2_moderate, PVS1_very-strong, PS1_supporting